The following is an entry in ClinVar:

NM_004336.5(BUB1):c.1779T>A (p.Ser593Arg)

Gene: BUB1 (BUB1 mitotic checkpoint serine/threonine kinase; minus strand). Cytogenetic location: 2q13.
Variant type: single nucleotide variant.
Coding change: c.1779T>A on transcript NM_004336.5 (MANE Select); coding-DNA position 1779, T replaced by A.
Protein change: p.Ser593Arg; replaces serine 593 with arginine.
Molecular consequence: missense variant.
Genome position (GRCh38, 1-based): chr2:110,655,836, A>T on the plus strand (T>A on the coding strand, the complement: BUB1 is on the minus strand). VCF-style: chr2-110655836-A-T. GRCh37 (hg19) VCF-style: chr2-111413413-A-T.
Other names: c.1719T>A, p.Ser573Arg (NM_001278616.2); c.1779T>A, p.Ser593Arg (NM_001278617.2); short protein forms S593R, S573R.
Identifiers: ClinVar variation 1779929 (VCV001779929.4), dbSNP rs763626154, ClinGen allele CA1827972.

ClinVar aggregate classification (germline): Uncertain significance. Review status: criteria provided, multiple submitters, no conflicts (2 of 4 stars). 2 submissions from 2 submitters: Uncertain significance (2). Last evaluated 2024-06-25.

Allele frequency attached by ClinVar (database versions not stated): gnomAD exomes 0.00001; ExAC 0.00002; TOPMed 0.00002.
gnomAD v4.1: 4 of 1,614,032 alleles (0.00025%); highest among the groups gnomAD compares: East Asian, 0.0089%; no homozygotes.

Submissions (2):

Labcorp Genetics (formerly Invitae), Labcorp
Classification: Uncertain significance. Last evaluated: 2024-06-25. Review status: criteria provided, single submitter. Criteria: Invitae Variant Classification Sherloc (09022015). Collection method: clinical testing. Allele origin: germline.
Comment: This sequence change replaces serine, which is neutral and polar, with arginine, which is basic and polar, at codon 593 of the BUB1 protein (p.Ser593Arg). This variant is present in population databases (rs763626154, gnomAD 0.02%). This variant has not been reported in the literature in individuals affected with BUB1-related conditions. ClinVar contains an entry for this variant (Variation ID: 1779929). Experimental studies and prediction algorithms are not available or were not evaluated, and the functional significance of this variant is currently unknown. In summary, the available evidence is currently insufficient to determine the role of this variant in disease. Therefore, it has been classified as a Variant of Uncertain Significance.

Ambry Genetics
Classification: Uncertain significance. Last evaluated: 2022-10-08. Review status: criteria provided, single submitter. Criteria: Ambry Variant Classification Scheme 2023. Collection method: clinical testing. Allele origin: germline.
Comment: The p.S593R variant (also known as c.1779T>A), located in coding exon 16 of the BUB1 gene, results from a T to A substitution at nucleotide position 1779. The serine at codon 593 is replaced by arginine, an amino acid with dissimilar properties. This amino acid position is conserved. In addition, this alteration is predicted to be tolerated by in silico analysis. Since supporting evidence is limited at this time, the clinical significance of this alteration remains unclear.